The following is an entry in ClinVar:

NM_153676.4(USH1C):c.838A>G (p.Ser280Gly)

Gene: USH1C (USH1 protein network component harmonin; minus strand). Cytogenetic location: 11p15.1.
Variant type: single nucleotide variant.
Coding change: c.838A>G on transcript NM_153676.4 (MANE Select); coding-DNA position 838, A replaced by G.
Protein change: p.Ser280Gly; replaces serine 280 with glycine.
Molecular consequence: missense variant. On other transcripts: non-coding transcript variant (1), intron variant (1).
Genome position (GRCh38, 1-based): chr11:17,523,249, T>C on the plus strand (A>G on the coding strand, the complement: USH1C is on the minus strand). VCF-style: chr11-17523249-T-C. GRCh37 (hg19) VCF-style: chr11-17544796-T-C.
Other names: c.838A>G, p.Ser280Gly (NM_005709.4); c.819+170A>G (NM_001297764.2); short protein forms S280G.
Identifiers: ClinVar variation 1414078 (VCV001414078.3), dbSNP rs775519842, ClinGen allele CA5904841.

ClinVar aggregate classification (germline): Uncertain significance (1 of 4 stars; one submission).

Allele frequency attached by ClinVar (database versions not stated): gnomAD exomes below 0.00001; TOPMed below 0.00001; ExAC 0.00001; gnomAD 0.00001.
gnomAD v4.1: 5 of 1,614,056 alleles (0.00031%); highest among the groups gnomAD compares: Admixed American, 0.0017%; no homozygotes.

Submission:

Labcorp Genetics (formerly Invitae), Labcorp
Classification: Uncertain significance. Last evaluated: 2022-08-16. Review status: criteria provided, single submitter. Criteria: Invitae Variant Classification Sherloc (09022015). Collection method: clinical testing. Allele origin: germline.
Comment: This sequence change replaces serine, which is neutral and polar, with glycine, which is neutral and non-polar, at codon 280 of the USH1C protein (p.Ser280Gly). This variant is present in population databases (rs775519842, gnomAD 0.003%). This variant has not been reported in the literature in individuals affected with USH1C-related conditions. ClinVar contains an entry for this variant (Variation ID: 1414078). Algorithms developed to predict the effect of missense changes on protein structure and function (SIFT, PolyPhen-2, Align-GVGD) all suggest that this variant is likely to be tolerated. In summary, the available evidence is currently insufficient to determine the role of this variant in disease. Therefore, it has been classified as a Variant of Uncertain Significance.